The following is an entry in ClinVar:

NM_001164508.2(NEB):c.4904C>T (p.Thr1635Ile)

Gene: NEB (nebulin; minus strand). Cytogenetic location: 2q23.3.
Variant type: single nucleotide variant.
Coding change: c.4904C>T on transcript NM_001164508.2 (MANE Select); coding-DNA position 4904, C replaced by T.
Protein change: p.Thr1635Ile; replaces threonine 1635 with isoleucine.
Molecular consequence: missense variant.
Genome position (GRCh38, 1-based): chr2:151,666,217, G>A on the plus strand (C>T on the coding strand, the complement: NEB is on the minus strand). VCF-style: chr2-151666217-G-A. GRCh37 (hg19) VCF-style: chr2-152522731-G-A.
Other names: c.4904C>T, p.Thr1635Ile (NM_001164507.2, NM_001271208.2, NM_004543.5); c.4904C>T (NM_004543.4); short protein forms T1635I.
Identifiers: ClinVar variation 465608 (VCV000465608.19), dbSNP rs199662534, ClinGen allele CA1910508.

ClinVar aggregate classification (germline): Conflicting classifications of pathogenicity. Review status: criteria provided, conflicting classifications (1 of 4 stars). 8 submissions from 8 submitters: Uncertain significance (6); Likely benign (1). 1 of the submissions does not count toward it. Last evaluated 2026-09-09.

Conditions:
NEB-related disorder. Also called: NEB-Related Disorders; NEB-related condition.
Inborn genetic diseases. Identifiers: MedGen C0950123, MeSH D030342.
Nemaline myopathy 2 (NEM2). Also called: Nemaline myopathy 2, autosomal recessive. Identifiers: MedGen C1850569, MONDO:0009725, OMIM 256030.

Allele frequency attached by ClinVar (database versions not stated): gnomAD exomes 0.00001; ExAC 0.00002; gnomAD 0.00010; TOPMed 0.00014; ESP Exome Variant Server 0.00024.
gnomAD v4.1: 23 of 1,613,838 alleles (0.0014%); highest among the groups gnomAD compares: African/African-American, 0.027%; no homozygotes.

Submissions (8):

PreventionGenetics, part of Exact Sciences
Classification: Uncertain significance for NEB-related condition. Last evaluated: 2026-09-09. Review status: criteria provided, single submitter. Criteria: ACMG Guidelines, 2015. Collection method: clinical testing. Allele origin: germline.
Comment: The NEB c.4904C>T variant is predicted to result in the amino acid substitution p.Thr1635Ile. To our knowledge, this variant has not been reported in the literature. This variant is reported in 0.021% of alleles in individuals of African descent in gnomAD. At this time, the clinical significance of this variant is uncertain due to the absence of conclusive functional and genetic evidence.

Labcorp Genetics (formerly Invitae), Labcorp
Classification: Likely benign for Nemaline myopathy 2. Last evaluated: 2025-12-22. Review status: criteria provided, single submitter. Criteria: Invitae Variant Classification Sherloc (09022015). Collection method: clinical testing. Allele origin: germline.

Dasa
Classification: Uncertain significance. Last evaluated: 2025-02-08. Review status: criteria provided, single submitter. Criteria: DASA Assertion Criteria. Collection method: clinical testing. Allele origin: germline.
Comment: NM_001164508.2(NEB):c.4904C>T (p.Thr1635Ile) is a missense variant that results in the substitution of threonine with isoleucine. This variant is rare in population databases. Computational prediction algorithms are consistent with a benign effect. The currently available literature and clinical evidence are not sufficient to establish a definitive association between this variant and the reported condition. Therefore, this variant is classified as a variant of uncertain significance.

GeneDx
Classification: Uncertain significance. Last evaluated: 2025-02-06. Review status: criteria provided, single submitter. Criteria: GeneDx Variant Classification Process June 2021. Collection method: clinical testing. Allele origin: germline. Affected: yes.
Comment: In silico analysis indicates that this missense variant does not alter protein structure/function; Has not been previously published as pathogenic or benign to our knowledge

Ambry Genetics
Classification: Uncertain significance for Inborn genetic diseases. Last evaluated: 2024-01-09. Review status: criteria provided, single submitter. Criteria: Ambry Variant Classification Scheme 2023. Collection method: clinical testing. Allele origin: germline.

Revvity Omics, Revvity
Classification: Uncertain significance. Last evaluated: 2020-12-11. Review status: criteria provided, single submitter. Criteria: ACMG Guidelines, 2015. Collection method: clinical testing. Allele origin: germline.

Fulgent Genetics
Classification: Uncertain significance for Nemaline myopathy 2. Last evaluated: 2018-10-31. Review status: criteria provided, single submitter. Criteria: ACMG Guidelines, 2015. Collection method: clinical testing. Allele origin: unknown.

Natera, Inc.
Classification: Uncertain significance for Nemaline myopathy type 2. Last evaluated: 2020-12-29. Review status: no assertion criteria provided. Collection method: clinical testing. Allele origin: germline. Not counted in ClinVar's aggregate classification.